The following is an entry in ClinVar:

ClinVar aggregate classification (germline): Uncertain significance. Review status: criteria provided, multiple submitters, no conflicts (2 of 4 stars). 6 submissions from 6 submitters: Uncertain significance (6). Last evaluated 2025-10-01.

Conditions:
Tuberous sclerosis syndrome (TSC). Also called: Tuberous Sclerosis Complex; Tuberous sclerosis. Identifiers: Orphanet 805, MedGen C0041341, MONDO:0001734.
Hereditary cancer-predisposing syndrome. Also called: Hereditary Cancer Syndrome; Neoplastic Syndromes, Hereditary; Hereditary neoplastic syndrome; Tumor predisposition. Identifiers: Orphanet 140162, MedGen C0027672, MeSH D009386, MONDO:0015356.
Tuberous sclerosis 2 (TSC2). Identifiers: Orphanet 805, MedGen C1860707, MONDO:0013199, OMIM 613254.

Allele frequency attached by ClinVar (database versions not stated): gnomAD exomes below 0.00001 and 0.00001; ExAC 0.00002.
gnomAD v4.1: 8 of 1,613,702 alleles (0.0005%); highest among the groups gnomAD compares: African/African-American, 0.0013%; no homozygotes.

Submissions (6):

Ambry Genetics
Classification: Uncertain significance for Hereditary cancer-predisposing syndrome. Last evaluated: 2025-10-01. Review status: criteria provided, single submitter. Criteria: Ambry Variant Classification Scheme 2023. Collection method: clinical testing. Allele origin: germline.
Comment: The p.R367W variant (also known as c.1099C>T), located in coding exon 10 of the TSC2 gene, results from a C to T substitution at nucleotide position 1099. The arginine at codon 367 is replaced by tryptophan, an amino acid with dissimilar properties. This amino acid position is well conserved in available vertebrate species. In addition, the in silico prediction for this alteration is inconclusive. Since supporting evidence is limited at this time, the clinical significance of this alteration remains unclear.

Labcorp Genetics (formerly Invitae), Labcorp
Classification: Uncertain significance for Tuberous sclerosis 2. Last evaluated: 2025-02-25. Review status: criteria provided, single submitter. Criteria: Invitae Variant Classification Sherloc (09022015). Collection method: clinical testing. Allele origin: germline.
Comment: This sequence change replaces arginine, which is basic and polar, with tryptophan, which is neutral and slightly polar, at codon 367 of the TSC2 protein (p.Arg367Trp). This variant is present in population databases (rs757844109, gnomAD no frequency). This missense change has been observed in individual(s) with clinical features of TSC2-related conditions (PMID: 21520333, 34992632). ClinVar contains an entry for this variant (Variation ID: 805693). Invitae Evidence Modeling of protein sequence and biophysical properties (such as structural, functional, and spatial information, amino acid conservation, physicochemical variation, residue mobility, and thermodynamic stability) indicates that this missense variant is not expected to disrupt TSC2 protein function with a negative predictive value of 95%. In summary, the available evidence is currently insufficient to determine the role of this variant in disease. Therefore, it has been classified as a Variant of Uncertain Significance.

All of Us Research Program, National Institutes of Health
Classification: Uncertain significance for Tuberous sclerosis syndrome. Last evaluated: 2023-12-01. Review status: criteria provided, single submitter. Criteria: ACMG Guidelines, 2015. Collection method: clinical testing. Allele origin: germline. Inheritance: Autosomal dominant inheritance. Observed: 1 variant allele, 1 heterozygote.
Comment: This study involves interpretation of variants in research participants for the purpose of population health screening. Participant phenotype was not available at the time of variant classification. Additional details can be found in publication PMID: 35346344, PMCID: PMC8962531

Genome-Nilou Lab
Classification: Uncertain significance for Tuberous sclerosis 2. Last evaluated: 2021-11-07. Review status: criteria provided, single submitter. Criteria: ACMG Guidelines, 2015. Collection method: clinical testing. Allele origin: germline. Affected: no.

GeneDx
Classification: Uncertain significance. Last evaluated: 2021-01-05. Review status: criteria provided, single submitter. Criteria: GeneDx Variant Classification Process June 2021. Collection method: clinical testing. Allele origin: germline. Affected: yes.
Comment: In silico analysis supports that this missense variant has a deleterious effect on protein structure/function; Has not been previously published as pathogenic or benign to our knowledge.

Athena Diagnostics
Classification: Uncertain significance. Last evaluated: 2019-08-13. Review status: criteria provided, single submitter. Criteria: Athena Diagnostics Criteria. Collection method: clinical testing. Allele origin: germline.

Literature cited by the submitters: PubMed 21520333 (cited by Labcorp Genetics (formerly Invitae), Labcorp); PubMed 34992632 (cited by Labcorp Genetics (formerly Invitae), Labcorp).

NM_000548.5(TSC2):c.1099C>T (p.Arg367Trp)

Gene: TSC2 (TSC complex subunit 2; plus strand). Cytogenetic location: 16p13.3.
Variant type: single nucleotide variant.
Coding change: c.1099C>T on transcript NM_000548.5 (MANE Select); coding-DNA position 1099, C replaced by T.
Protein change: p.Arg367Trp; replaces arginine 367 with tryptophan.
Molecular consequence: missense variant.
Genome position (GRCh38, 1-based): chr16:2,060,793, C>T. VCF-style: chr16-2060793-C-T. GRCh37 (hg19) VCF-style: chr16-2110794-C-T.
Other names: c.1099C>T, p.Arg367Trp (NM_001077183.3, NM_001114382.3, NM_001363528.2 and 3 more transcripts); c.988C>T, p.Arg330Trp (NM_001318827.2); c.952C>T, p.Arg318Trp (NM_001318829.2); c.499C>T, p.Arg167Trp (NM_001318831.2); c.1132C>T, p.Arg378Trp (NM_001318832.2); short protein forms R167W, R378W, R330W, R318W, R367W.
Identifiers: ClinVar variation 805693 (VCV000805693.16), dbSNP rs757844109, ClinGen allele CA028160.